The following is an entry in ClinVar:

NM_001377.3(DYNC2H1):c.6642T>C (p.His2214=)

Gene: DYNC2H1 (dynein cytoplasmic 2 heavy chain 1; plus strand). Cytogenetic location: 11q22.3.
Variant type: single nucleotide variant.
Coding change: c.6642T>C on transcript NM_001377.3 (MANE Select); coding-DNA position 6642, T replaced by C.
Protein change: p.His2214=; no amino-acid change (histidine 2214 retained).
Molecular consequence: synonymous variant.
Genome position (GRCh38, 1-based): chr11:103,186,250, T>C. VCF-style: chr11-103186250-T-C. GRCh37 (hg19) VCF-style: chr11-103056979-T-C.
Other names: c.6642T>C, p.His2214= (NM_001080463.2).
Identifiers: ClinVar variation 698802 (VCV000698802.11), dbSNP rs200306856, ClinGen allele CA6254033.

ClinVar aggregate classification (germline): Likely benign. Review status: criteria provided, multiple submitters, no conflicts (2 of 4 stars). 3 submissions from 3 submitters: Likely benign (3). Last evaluated 2026-02-24.

Conditions:
DYNC2H1-related disorder. Also called: DYNC2H1-related disorders; DYNC2H1-related condition. Identifiers: MedGen CN378770.
Jeune thoracic dystrophy. Also called: Jeune syndrome; Infantile thoracic dystrophy; Thoracic pelvic phalangeal dystrophy; Jeune's syndrome; Chondroectodermal dysplasia-like syndrome; Short-rib thoracic dysplasia. Identifiers: Orphanet 474, MedGen C0265275, MONDO:0018770.

Allele frequency attached by ClinVar (database versions not stated): gnomAD exomes 0.00006 and 0.00013; ExAC 0.00020; ESP Exome Variant Server 0.00034; TOPMed 0.00036; gnomAD 0.00038 and 0.00042.
gnomAD v4.1: 163 of 1,609,756 alleles (0.01%); highest among the groups gnomAD compares: African/African-American, 0.12%; no homozygotes.

Submissions (3):

PreventionGenetics, part of Exact Sciences
Classification: Likely benign for DYNC2H1-related condition. Last evaluated: 2026-02-24. Review status: criteria provided, single submitter. Criteria: ACMG Guidelines, 2015. Collection method: clinical testing. Allele origin: germline.
Comment: This variant is classified as likely benign based on ACMG/AMP sequence variant interpretation guidelines (Richards et al. 2015 PMID: 25741868, with internal and published modifications).

Labcorp Genetics (formerly Invitae), Labcorp
Classification: Likely benign for Jeune thoracic dystrophy. Last evaluated: 2025-12-23. Review status: criteria provided, single submitter. Criteria: Invitae Variant Classification Sherloc (09022015). Collection method: clinical testing. Allele origin: germline.

Blueprint Genetics
Classification: Likely benign. Last evaluated: 2024-06-27. Review status: criteria provided, single submitter. Criteria: ACMG Guidelines, 2015. Collection method: clinical testing. Allele origin: germline.